The following is an entry in ClinVar:

ClinVar aggregate classification (germline): Pathogenic/Likely pathogenic. Review status: criteria provided, multiple submitters, no conflicts (2 of 4 stars). 3 submissions from 3 submitters: Pathogenic (2); Likely pathogenic (1). Last evaluated 2022-12-07.

Conditions:
Nijmegen breakage syndrome-like disorder (NBSLD). Also called: MICROCEPHALY AND SPONTANEOUS CHROMOSOME INSTABILITY WITHOUT IMMUNODEFICIENCY; NBS-LIKE DISORDER; RAD50 DEFICIENCY. Identifiers: Orphanet 240760, MedGen C2751318, MONDO:0013118, OMIM 613078.
Hereditary cancer-predisposing syndrome. Also called: Tumor predisposition; Neoplastic Syndromes, Hereditary; Hereditary Cancer Syndrome; Hereditary neoplastic syndrome. Identifiers: Orphanet 140162, MedGen C0027672, MeSH D009386, MONDO:0015356.

Submissions (3):

Ambry Genetics
Classification: Pathogenic for Hereditary cancer-predisposing syndrome. Last evaluated: 2022-12-07. Review status: criteria provided, single submitter. Criteria: Ambry Variant Classification Scheme 2023. Collection method: clinical testing. Allele origin: germline.
Comment: The c.2095_2113dup19 pathogenic mutation, located in coding exon 13 of the RAD50 gene, results from a duplication of AGTGATTTGCAGTCTAAAC at nucleotide position 2095, causing a translational frameshift with a predicted alternate stop codon (p.L705Qfs*2). This variant is considered to be rare based on population cohorts in the Genome Aggregation Database (gnomAD). This alteration is expected to result in loss of function by premature protein truncation or nonsense-mediated mRNA decay. As such, this alteration is interpreted as a disease-causing mutation.

Labcorp Genetics (formerly Invitae), Labcorp
Classification: Pathogenic for Hereditary cancer-predisposing syndrome. Last evaluated: 2021-07-30. Review status: criteria provided, single submitter. Criteria: Invitae Variant Classification Sherloc (09022015). Collection method: clinical testing. Allele origin: germline.
Comment: This sequence change creates a premature translational stop signal (p.Leu705Glnfs*2) in the RAD50 gene. It is expected to result in an absent or disrupted protein product. Loss-of-function variants in RAD50 are known to be pathogenic (PMID: 19409520). This variant is not present in population databases (ExAC no frequency). For these reasons, this variant has been classified as Pathogenic. This variant has not been reported in the literature in individuals affected with RAD50-related conditions.

Sema4
Classification: Likely pathogenic for Nijmegen breakage syndrome-like disorder. Last evaluated: 2021-03-18. Review status: criteria provided, single submitter. Criteria: Sema4 Curation Guidelines. Collection method: curation. Allele origin: germline.
Comment: To the best of our knowledge, the RAD50 c.2095_2113dup (p.L705Qfs*2) variant has not been reported in individuals with RAD50-related disease. This variant causes a frameshift at amino acid 705 that results in premature termination 2 amino acids downstream. At this location, this is predicted to cause nonsense-mediated decay and result in an absent protein (loss of function). Loss-of-function variants in RAD50 are known to be pathogenic (PMID: 16385572). This variant is not reported in the population database Genome Aggregation Database (PMID: 32461654). This variant has not been reported in ClinVar. Based on the current evidence available, this variant is interpreted as likely pathogenic.

Literature cited by the submitters: PubMed 19409520 (cited by Labcorp Genetics (formerly Invitae), Labcorp); PubMed 16385572 (cited by Sema4).

NM_005732.4(RAD50):c.2095_2113dup (p.Leu705delinsGlnTer)

Gene: RAD50 (RAD50 double strand break repair protein; plus strand). Cytogenetic location: 5q31.1.
Variant type: Duplication.
Coding change: c.2095_2113dup on transcript NM_005732.4 (MANE Select); coding-DNA positions 2095 to 2113, 19 bases duplicated (AGTGATTTGCAGTCTAAAC).
Protein change: p.Leu705delinsGlnTer.
Molecular consequence: nonsense.
Genome position (GRCh38, 1-based): chr5:132,595,698-132,595,716, AGTGATTTGCAGTCTAAAC duplicated; duplicating any 19 consecutive bases within chr5:132,595,697-132,595,716 gives the same sequence; the c. name uses the placement nearest the transcript's 3' end. VCF-style (leftmost placement, unchanged base first): chr5-132595696-T-TCAGTGATTTGCAGTCTAAA. GRCh37 (hg19) VCF-style: chr5-131931388-T-TCAGTGATTTGCAGTCTAAA.
Identifiers: ClinVar variation 1453893 (VCV001453893.8), dbSNP rs1750779319, ClinGen allele CA1081653925.